The following is an entry in ClinVar:

NM_198253.3(TERT):c.716G>C (p.Arg239Thr)

Gene: TERT (telomerase reverse transcriptase; minus strand). Cytogenetic location: 5p15.33.
Variant type: single nucleotide variant.
Coding change: c.716G>C on transcript NM_198253.3 (MANE Select); coding-DNA position 716, G replaced by C.
Protein change: p.Arg239Thr; replaces arginine 239 with threonine.
Molecular consequence: missense variant. On other transcripts: non-coding transcript variant (2).
Genome position (GRCh38, 1-based): chr5:1,294,170, C>G on the plus strand (G>C on the coding strand, the complement: TERT is on the minus strand). VCF-style: chr5-1294170-C-G. GRCh37 (hg19) VCF-style: chr5-1294285-C-G.
Other names: c.716G>C, p.Arg239Thr (NM_001193376.3); short protein forms R239T.
Identifiers: ClinVar variation 4865448 (VCV004865448.1).

ClinVar aggregate classification (germline): Uncertain significance (1 of 4 stars; one submission).

Conditions:
Dyskeratosis congenita. Identifiers: Orphanet 1775, MedGen C0265965, MONDO:0015780.

gnomAD v4.1: 1 of 1,582,470 alleles (0.000063%); highest among the groups gnomAD compares: Non-Finnish European, 0.000086%; no homozygotes.

Submission:

Ambry Genetics
Classification: Uncertain significance for Dyskeratosis congenita. Last evaluated: 2026-05-27. Review status: criteria provided, single submitter. Criteria: Ambry Variant Classification Scheme 2023. Collection method: clinical testing. Allele origin: germline.
Comment: The p.R239T variant (also known as c.716G>C), located in coding exon 2 of the TERT gene, results from a G to C substitution at nucleotide position 716. The arginine at codon 239 is replaced by threonine, an amino acid with similar properties. This amino acid position is conserved. In addition, the in silico prediction for this alteration is inconclusive. Based on the available evidence, the clinical significance of this variant remains unclear.